The following is an entry in ClinVar:

NM_000038.6(APC):c.1665A>G (p.Ala555=)

Gene: APC (APC regulator of Wnt signaling pathway; plus strand). Cytogenetic location: 5q22.2.
Variant type: single nucleotide variant.
Coding change: c.1665A>G on transcript NM_000038.6 (MANE Select); coding-DNA position 1665, A replaced by G.
Protein change: p.Ala555=; no amino-acid change (alanine 555 retained).
Molecular consequence: synonymous variant.
Genome position (GRCh38, 1-based): chr5:112,828,894, A>G. VCF-style: chr5-112828894-A-G. GRCh37 (hg19) VCF-style: chr5-112164591-A-G.
Other names: c.1665A>G, p.Ala555= (NM_001127510.3, NM_001354895.2); c.1611A>G, p.Ala537= (NM_001127511.3); c.1719A>G, p.Ala573= (NM_001354896.2); c.1695A>G, p.Ala565= (NM_001354897.2); c.1590A>G, p.Ala530= (NM_001354898.2); c.1581A>G, p.Ala527= (NM_001354899.2); c.1542A>G, p.Ala514= (NM_001354900.2); c.1488A>G, p.Ala496= (NM_001354901.2); and 5 more.
Identifiers: ClinVar variation 924306 (VCV000924306.3), dbSNP rs1764013636, ClinGen allele CA445757393.

ClinVar aggregate classification (germline): Likely benign. Review status: criteria provided, multiple submitters, no conflicts (2 of 4 stars). 2 submissions from 2 submitters: Likely benign (2). Last evaluated 2024-06-09.

Conditions:
Hereditary cancer-predisposing syndrome. Also called: Neoplastic Syndromes, Hereditary; Tumor predisposition; Hereditary Cancer Syndrome; Hereditary neoplastic syndrome. Identifiers: Orphanet 140162, MedGen C0027672, MeSH D009386, MONDO:0015356.
Classic or attenuated familial adenomatous polyposis. Identifiers: MedGen CN372698, MONDO:0021057.

Submissions (2):

All of Us Research Program, National Institutes of Health
Classification: Likely benign for Classic or attenuated familial adenomatous polyposis. Last evaluated: 2024-06-09. Review status: criteria provided, single submitter. Criteria: ACMG Guidelines, 2015. Collection method: clinical testing. Allele origin: germline. Inheritance: Autosomal dominant inheritance. Observed: 1 variant allele, 1 heterozygote.
Comment: This study involves interpretation of variants in research participants for the purpose of population health screening. Participant phenotype was not available at the time of variant classification. Additional details can be found in publication PMID: 35346344, PMCID: PMC8962531

Color Diagnostics, LLC DBA Color Health
Classification: Likely benign for Hereditary cancer-predisposing syndrome. Last evaluated: 2018-12-14. Review status: criteria provided, single submitter. Criteria: ACMG Guidelines, 2015. Collection method: clinical testing. Allele origin: germline.